The following is an entry in ClinVar:

ClinVar aggregate classification (germline): Pathogenic (1 of 4 stars; one submission).

Conditions:
Intellectual developmental disorder, X-linked 1. Also called: Atkin Flaitz Patil Smith syndrome; MENTAL RETARDATION, X-LINKED 18; MENTAL RETARDATION, X-LINKED 78; Intellectual disability, X-linked 1. Identifiers: Orphanet 777, MedGen C2931498, MONDO:0010656, OMIM 309530.

Submission:

Molecular Genetics Laboratory, Motol Hospital
Classification: Pathogenic for Intellectual developmental disorder, X-linked 1. Last evaluated: 2025-05-02. Review status: criteria provided, single submitter. Criteria: ACMG Guidelines, 2015. Collection method: clinical testing. Allele origin: germline. Affected: yes. Observed: 1 variant allele.
Comment: Rare variant not present in gnomAD (v4.1.0), dbSNP or ClinVar (PM2). Located in the last exon 15 of the IQSEC2 gene (NM_001111125.3), therefore the aberrant transcripts are predicted to likely escape the degradation by the process of nonsense-mediated decay. Rare truncating variants affecting the IQSEC2 gene are documented as a molecular cause of "X-linked intellectual developmental disorder 1" (MIM:309530, XLID1; PMID:25858702;PMID:30328660;PMID:30206421;PMID:31415821;PMID:30206421;PMID:38200111) (PVS1).To conclude, the variant is classified as pathogenic (ACMG PM2, PVS1).

Literature cited by the submitters: PubMed 25858702; PubMed 30328660; PubMed 30206421; PubMed 31415821.

NM_001111125.3(IQSEC2):c.4309_4321del (p.Tyr1437fs)

Gene: IQSEC2 (IQ motif and Sec7 domain ArfGEF 2; minus strand). Cytogenetic location: Xp11.22.
Variant type: Deletion.
Coding change: c.4309_4321del on transcript NM_001111125.3 (MANE Select); coding-DNA positions 4309 to 4321, 13 bases deleted (TATCCACCCCTCC).
Protein change: p.Tyr1437fs; shifts the reading frame from tyrosine 1437.
Molecular consequence: frameshift variant. On other transcripts: 3 prime UTR variant (2).
Genome position (GRCh38, 1-based): chrX:53,234,365-53,234,377, GGAGGGGTGGATA deleted on the plus strand (TATCCACCCCTCC on the coding strand, the reverse complement: IQSEC2 is on the minus strand); deleting any 13 consecutive bases within chrX:53,234,365-53,234,387 gives the same sequence; the c. name uses the placement nearest the transcript's 3' end. VCF-style (leftmost placement, unchanged base first): chrX-53234364-GGGAGGGGTGGATA-G. GRCh37 (hg19) VCF-style: chrX-53263546-GGGAGGGGTGGATA-G.
Other names: c.*794_*806del (NM_001410736.1, NM_015075.2); short protein forms Y1437fs.
Identifiers: ClinVar variation 3895536 (VCV003895536.1).